The following is an entry in ClinVar:

ClinVar aggregate classification (germline): Uncertain significance (1 of 4 stars; one submission).

Conditions:
Episodic ataxia type 2 (EA2). Also called: CEREBELLAR ATAXIA, PAROXYSMAL, ACETAZOLAMIDE-RESPONSIVE; CEREBELLOPATHY, HEREDITARY PAROXYSMAL; EPISODIC ATAXIA, NYSTAGMUS-ASSOCIATED; ACETAZOLAMIDE-RESPONSIVE HEREDITARY PAROXYSMAL CEREBELLAR ATAXIA; ATAXIA, EPISODIC, WITH NYSTAGMUS; ATAXIA, FAMILIAL PAROXYSMAL. Identifiers: Orphanet 97, MedGen C1720416, MONDO:0007163, OMIM 108500.
Developmental and epileptic encephalopathy, 42 (DEE42A). Also called: Epileptic encephalopathy, early infantile, 42; DEVELOPMENTAL AND EPILEPTIC ENCEPHALOPATHY 42A; EPILEPTIC ENCEPHALOPATHY, EARLY INFANTILE, 42A. Identifiers: MedGen C4310716, MONDO:0014917, OMIM 617106.

Submission:

Labcorp Genetics (formerly Invitae), Labcorp
Classification: Uncertain significance for Developmental and epileptic encephalopathy, 42; Episodic ataxia type 2. Last evaluated: 2023-08-17. Review status: criteria provided, single submitter. Criteria: Invitae Variant Classification Sherloc (09022015). Collection method: clinical testing. Allele origin: germline.
Comment: In summary, the available evidence is currently insufficient to determine the role of this variant in disease. Therefore, it has been classified as a Variant of Uncertain Significance. Advanced modeling of protein sequence and biophysical properties (such as structural, functional, and spatial information, amino acid conservation, physicochemical variation, residue mobility, and thermodynamic stability) performed at Invitae indicates that this missense variant is not expected to disrupt CACNA1A protein function. This variant has not been reported in the literature in individuals affected with CACNA1A-related conditions. This variant is not present in population databases (gnomAD no frequency). This sequence change replaces alanine, which is neutral and non-polar, with glycine, which is neutral and non-polar, at codon 2230 of the CACNA1A protein (p.Ala2230Gly).

NM_001127222.2(CACNA1A):c.6686C>G (p.Ala2229Gly)

Gene: CACNA1A (calcium voltage-gated channel subunit alpha1 A; minus strand). Cytogenetic location: 19p13.13.
Variant type: single nucleotide variant.
Coding change: c.6686C>G on transcript NM_001127222.2 (MANE Select); coding-DNA position 6686, C replaced by G.
Protein change: p.Ala2229Gly; replaces alanine 2229 with glycine.
Molecular consequence: missense variant.
Genome position (GRCh38, 1-based): chr19:13,208,850, G>C on the plus strand (C>G on the coding strand, the complement: CACNA1A is on the minus strand). VCF-style: chr19-13208850-G-C. GRCh37 (hg19) VCF-style: chr19-13319664-G-C.
Other names: c.6704C>G, p.Ala2235Gly (NM_000068.4, NM_023035.3); c.6689C>G, p.Ala2230Gly (NM_001127221.2); c.6695C>G, p.Ala2232Gly (NM_001174080.2); short protein forms A2232G, A2229G, A2230G, A2235G.
Identifiers: ClinVar variation 2943456 (VCV002943456.3), dbSNP rs2512515771, ClinGen allele CA404329700.